The following is an entry in ClinVar:

NM_000277.3(PAH):c.607T>G (p.Cys203Gly)

Gene: PAH (phenylalanine hydroxylase; minus strand). Cytogenetic location: 12q23.2.
Variant type: single nucleotide variant.
Coding change: c.607T>G on transcript NM_000277.3 (MANE Select); coding-DNA position 607, T replaced by G.
Protein change: p.Cys203Gly; replaces cysteine 203 with glycine.
Molecular consequence: missense variant.
Genome position (GRCh38, 1-based): chr12:102,855,235, A>C on the plus strand (T>G on the coding strand, the complement: PAH is on the minus strand). VCF-style: chr12-102855235-A-C. GRCh37 (hg19) VCF-style: chr12-103249013-A-C.
Other names: NM_001354304.2:c.607T>G; c.607T>G, p.Cys203Gly (NM_001354304.2); short protein forms C203G.
Identifiers: ClinVar variation 3393465 (VCV003393465.1).
Genomic context (GRCh38, chr12:102,855,235, plus strand): 5'-TATCTTCATGGAAGCCACAGTACTTTTCAAGAAGTGGAAAAATGTGATTGTACTCATAGC[A>C]AGCATGGGTTTTATACAAGGACTTCAGAGTCTTGAACACTGTGCCCCATGTTTTCTTTTC-3'
Protein context (NP_000268.1, residues 193-213): TLKSLYKTHA[Cys203Gly]YEYNHIFPLL

ClinVar aggregate classification (germline): Likely pathogenic (3 of 4 stars; one submission).

Conditions:
Phenylketonuria (PKU). Also called: FOLLING DISEASE; OLIGOPHRENIA PHENYLPYRUVICA; Phenylketonurias; Phenylketonuria (PKU). Identifiers: Orphanet 716, MedGen C0031485, MONDO:0009861, OMIM 261600. Disease mechanism: loss of function.

Submission:

ClinGen PAH Variant Curation Expert Panel
Classification: Likely pathogenic for Phenylketonuria. Last evaluated: 2024-11-17. Review status: reviewed by expert panel. Criteria: ClinGen PAH ACMG Specifications v1. Collection method: curation. Allele origin: germline.
Comment: An in vitro functional assay has reported 1% residual enzymatic activity for this variant (PMID: 31102715). This variant is absent from population databases (PM2), and is predicted deleterious by SIFT, PolyPhen2, and MutationTaster; REVEL = 0.929. In summary, this variant meets criteria to be classified as likely pathogenic for PAH. PAH-specific ACMG/AMP criteria applied: PS3_supporting, PP4_Moderate, PM2_supporting, PP3_moderate.

Literature cited by the submitters: PubMed 31102715.